The following is an entry in ClinVar:

NC_000013.10:g.(?_60565272)_(60566737_?)del

Gene: DIAPH3 (diaphanous related formin 3; minus strand). Cytogenetic location: 13q21.2.
Variant type: Deletion.
Identifiers: ClinVar variation 3244200 (VCV003244200.1).

ClinVar aggregate classification (germline): Uncertain significance (1 of 4 stars; one submission).

Submission:

Labcorp Genetics (formerly Invitae), Labcorp
Classification: Uncertain significance. Last evaluated: 2023-03-11. Review status: criteria provided, single submitter. Criteria: Invitae Variant Classification Sherloc (09022015). Collection method: clinical testing. Allele origin: unknown.
Comment: In summary, the available evidence is currently insufficient to determine the role of this variant in disease. Therefore, it has been classified as a Variant of Uncertain Significance. This variant has not been reported in the literature in individuals affected with DIAPH3-related conditions. This variant is a gross deletion of the genomic region encompassing exon(s) 10-12 of the DIAPH3 gene. This deletion is out-of-frame, and is expected to create a premature translational stop signal and result in an absent or disrupted protein product. However, the current clinical and genetic evidence is not sufficient to establish whether loss-of-function variants in DIAPH3 cause disease.